The following is an entry in ClinVar:

NM_000334.4(SCN4A):c.4667A>G (p.Asn1556Ser)

Genes: GH-LCR (growth hormone locus control region; plus strand), SCN4A (sodium voltage-gated channel alpha subunit 4; minus strand). Cytogenetic location: 17q23.3.
Variant type: single nucleotide variant.
Coding change: c.4667A>G on transcript NM_000334.4 (MANE Select); coding-DNA position 4667, A replaced by G.
Protein change: p.Asn1556Ser; replaces asparagine 1556 with serine.
Molecular consequence: missense variant.
Genome position (GRCh38, 1-based): chr17:63,941,615, T>C on the plus strand (A>G on the coding strand, the complement: SCN4A is on the minus strand). VCF-style: chr17-63941615-T-C. GRCh37 (hg19) VCF-style: chr17-62018975-T-C.
Other names: short protein forms N1556S.
Identifiers: ClinVar variation 324516 (VCV000324516.16), dbSNP rs751454852, ClinGen allele CA8708921.

ClinVar aggregate classification (germline): Conflicting classifications of pathogenicity. Review status: criteria provided, conflicting classifications (1 of 4 stars). 7 submissions from 3 submitters: Uncertain significance (3); Likely benign (4). Last evaluated 2025-07-27.

Conditions:
Congenital myasthenic syndrome 16. Identifiers: Orphanet 590, MedGen C3280112, MONDO:0013620, OMIM 614198.
Hypokalemic periodic paralysis, type 2 (HOKPP2). Identifiers: Orphanet 681, MedGen C2750061, MONDO:0013234, OMIM 613345.
Hyperkalemic periodic paralysis. Also called: Familial hyperkalemic periodic paralysis; Gamstorp disease. Identifiers: Orphanet 682, MedGen C0238357, MONDO:0008224, OMIM 170500, HP:0007215.
Paramyotonia congenita of Von Eulenburg. Also called: Paramyotonia Congenita; PARALYSIS PERIODICA PARAMYOTONICA; Eulenburg disease; Myotonia congenita intermittens; Von Eulenburg paramyotonia congenita. Identifiers: Orphanet 684, MedGen C0221055, MONDO:0008195, OMIM 168300. Disease mechanism: loss of function.
Potassium-aggravated myotonia. Also called: Myotonia congenita, atypical, acetazolamide-responsive; MYOTONIA CONGENITA, ACETAZOLAMIDE-RESPONSIVE; MYOTONIA CONGENITA, ATYPICAL; SODIUM CHANNEL MUSCLE DISEASE. Identifiers: Orphanet 612, Orphanet 99734, Orphanet 99735, Orphanet 99736, MedGen C2931826, MONDO:0018959, OMIM 608390.

Allele frequency attached by ClinVar (database versions not stated): gnomAD exomes 0.00005 and 0.00001; TOPMed 0.00001; ExAC 0.00002.

Submissions (7):

Labcorp Genetics (formerly Invitae), Labcorp
Classification: Uncertain significance for Hyperkalemic periodic paralysis. Last evaluated: 2025-07-27. Review status: criteria provided, single submitter. Criteria: Invitae Variant Classification Sherloc (09022015). Collection method: clinical testing. Allele origin: germline.
Comment: This sequence change replaces asparagine, which is neutral and polar, with serine, which is neutral and polar, at codon 1556 of the SCN4A protein (p.Asn1556Ser). This variant is present in population databases (rs751454852, gnomAD 0.007%). This variant has not been reported in the literature in individuals affected with SCN4A-related conditions. ClinVar contains an entry for this variant (Variation ID: 324516). Invitae Evidence Modeling of protein sequence and biophysical properties (such as structural, functional, and spatial information, amino acid conservation, physicochemical variation, residue mobility, and thermodynamic stability) indicates that this missense variant is not expected to disrupt SCN4A protein function with a negative predictive value of 95%. In summary, the available evidence is currently insufficient to determine the role of this variant in disease. Therefore, it has been classified as a Variant of Uncertain Significance.

Athena Diagnostics
Classification: Uncertain significance. Last evaluated: 2025-06-19. Review status: criteria provided, single submitter. Criteria: Athena Diagnostics Criteria. Collection method: clinical testing. Allele origin: unknown.
Comment: Available data are insufficient to determine the clinical significance of the variant at this time. The frequency of this variant in the general population is uninformative in assessment of its pathogenicity. This variant has been seen where an alternate explanation for disease was also identified, suggesting this variant may not cause disease. Polyphen and MutationTaster predict this amino acid change may be benign.

Illumina Laboratory Services, Illumina
Classification: Likely benign for Hyperkalemic periodic paralysis. Last evaluated: 2018-01-13. Review status: criteria provided, single submitter. Criteria: ICSL Variant Classification Criteria 13 December 2019. Collection method: clinical testing. Allele origin: germline.
Comment: This variant was observed in the ICSL laboratory as part of a predisposition screen in an ostensibly healthy population. It had not been previously curated by ICSL or reported in the Human Gene Mutation Database (HGMD: prior to June 1st, 2018), and was therefore a candidate for classification through an automated scoring system. Utilizing variant allele frequency, disease prevalence and penetrance estimates, and inheritance mode, an automated score was calculated to assess if this variant is too frequent to cause the disease. Based on the score and internal cut-off values, a variant classified as likely benign is not then subjected to further curation. The score for this variant resulted in a classification of likely benign for this disease.

Illumina Laboratory Services, Illumina
Classification: Likely benign for Hypokalemic periodic paralysis, type 2. Last evaluated: 2018-01-13. Review status: criteria provided, single submitter. Criteria: ICSL Variant Classification Criteria 13 December 2019. Collection method: clinical testing. Allele origin: germline.
Comment: the same text as in the submission from Illumina Laboratory Services, Illumina above.

Illumina Laboratory Services, Illumina
Classification: Likely benign for Paramyotonia congenita of Von Eulenburg. Last evaluated: 2018-01-13. Review status: criteria provided, single submitter. Criteria: ICSL Variant Classification Criteria 13 December 2019. Collection method: clinical testing. Allele origin: germline.
Comment: the same text as in the submission from Illumina Laboratory Services, Illumina above.

Illumina Laboratory Services, Illumina
Classification: Likely benign for Potassium-aggravated myotonia. Last evaluated: 2018-01-13. Review status: criteria provided, single submitter. Criteria: ICSL Variant Classification Criteria 13 December 2019. Collection method: clinical testing. Allele origin: germline.
Comment: the same text as in the submission from Illumina Laboratory Services, Illumina above.

Illumina Laboratory Services, Illumina
Classification: Uncertain significance for Congenital myasthenic syndrome 16. Last evaluated: 2018-01-13. Review status: criteria provided, single submitter. Criteria: ICSL Variant Classification Criteria 13 December 2019. Collection method: clinical testing. Allele origin: germline.